The following is an entry in ClinVar:

ClinVar aggregate classification (germline): Uncertain significance. Review status: criteria provided, multiple submitters, no conflicts (2 of 4 stars). 3 submissions from 3 submitters: Uncertain significance (3). Last evaluated 2026-02-18.

Conditions:
DMXL2-related disorder. Also called: DMXL2-related condition.

Allele frequency attached by ClinVar (database versions not stated): ExAC 0.00002; TOPMed 0.00002; gnomAD exomes 0.00003; gnomAD 0.00004.
gnomAD v4.1: 53 of 1,605,014 alleles (0.0033%); highest among the groups gnomAD compares: Admixed American, 0.007%; no homozygotes.

Submissions (3):

PreventionGenetics, part of Exact Sciences
Classification: Uncertain significance for DMXL2-related condition. Last evaluated: 2026-02-18. Review status: criteria provided, single submitter. Criteria: ACMG Guidelines, 2015. Collection method: clinical testing. Allele origin: germline.
Comment: The DMXL2 c.4966T>G variant is predicted to result in the amino acid substitution p.Ser1656Ala. To our knowledge, this variant has not been reported in the literature. This variant is reported in 0.013% of alleles in individuals of Latino descent in gnomAD. At this time, the clinical significance of this variant is uncertain due to the absence of conclusive functional and genetic evidence.

Mayo Clinic Laboratories, Mayo Clinic
Classification: Uncertain significance. Last evaluated: 2022-10-07. Review status: criteria provided, single submitter. Criteria: ACMG Guidelines, 2015. Collection method: clinical testing. Allele origin: germline. Observed: 1 variant allele.
Comment: BP4, PM2

Labcorp Genetics (formerly Invitae), Labcorp
Classification: Uncertain significance. Last evaluated: 2022-08-09. Review status: criteria provided, single submitter. Criteria: Invitae Variant Classification Sherloc (09022015). Collection method: clinical testing. Allele origin: germline.
Comment: This sequence change replaces serine, which is neutral and polar, with alanine, which is neutral and non-polar, at codon 1656 of the DMXL2 protein (p.Ser1656Ala). This variant is present in population databases (rs748052252, gnomAD 0.01%). This variant has not been reported in the literature in individuals affected with DMXL2-related conditions. ClinVar contains an entry for this variant (Variation ID: 1393063). Algorithms developed to predict the effect of missense changes on protein structure and function output the following: SIFT: "Tolerated"; PolyPhen-2: "Benign"; Align-GVGD: "Class C0". The alanine amino acid residue is found in multiple mammalian species, which suggests that this missense change does not adversely affect protein function. In summary, the available evidence is currently insufficient to determine the role of this variant in disease. Therefore, it has been classified as a Variant of Uncertain Significance.

NM_001378457.1(DMXL2):c.4966T>G (p.Ser1656Ala)

Gene: DMXL2 (Dmx like 2; minus strand). Cytogenetic location: 15q21.2.
Variant type: single nucleotide variant.
Coding change: c.4966T>G on transcript NM_001378457.1 (MANE Select); coding-DNA position 4966, T replaced by G.
Protein change: p.Ser1656Ala; replaces serine 1656 with alanine.
Molecular consequence: missense variant. On other transcripts: non-coding transcript variant (2).
Genome position (GRCh38, 1-based): chr15:51,488,633, A>C on the plus strand (T>G on the coding strand, the complement: DMXL2 is on the minus strand). VCF-style: chr15-51488633-A-C. GRCh37 (hg19) VCF-style: chr15-51780830-A-C.
Other names: p.Ser1656Ala; c.4966T>G, p.Ser1656Ala (NM_001174116.3, NM_001378458.1, NM_001378459.1 and 4 more transcripts); c.3058T>G, p.Ser1020Ala (NM_001174117.3); c.2947T>G, p.Ser983Ala (NM_001378460.1); c.4966T>G (NM_001174116.1, NM_001174116.2); c.4726T>G, p.Ser1576Ala (NM_001378464.1); short protein forms S1020A, S1576A, S1656A, S983A.
Identifiers: ClinVar variation 1393063 (VCV001393063.5), dbSNP rs748052252, ClinGen allele CA7561893.